The following is an entry in ClinVar:

NM_003924.4(PHOX2B):c.266A>T (p.His89Leu)

Gene: PHOX2B (paired like homeobox 2B; minus strand). Cytogenetic location: 4p13.
Variant type: single nucleotide variant.
Coding change: c.266A>T on transcript NM_003924.4 (MANE Select); coding-DNA position 266, A replaced by T.
Protein change: p.His89Leu; replaces histidine 89 with leucine.
Molecular consequence: missense variant.
Genome position (GRCh38, 1-based): chr4:41,747,512, T>A on the plus strand (A>T on the coding strand, the complement: PHOX2B is on the minus strand). VCF-style: chr4-41747512-T-A. GRCh37 (hg19) VCF-style: chr4-41749529-T-A.
Other names: short protein forms H89L.
Identifiers: ClinVar variation 1794533 (VCV001794533.8), dbSNP rs2552097040, ClinGen allele CA356740524.

ClinVar aggregate classification (germline): Uncertain significance. Review status: criteria provided, multiple submitters, no conflicts (2 of 4 stars). 2 submissions from 2 submitters: Uncertain significance (2). Last evaluated 2025-03-15.

Conditions:
Hereditary cancer-predisposing syndrome. Also called: Tumor predisposition; Hereditary Cancer Syndrome; Neoplastic Syndromes, Hereditary; Hereditary neoplastic syndrome. Identifiers: Orphanet 140162, MedGen C0027672, MeSH D009386, MONDO:0015356.
Haddad syndrome (OHD). Also called: Ondine-Hirschsprung disease. Identifiers: Orphanet 99803, MedGen C1859049, MONDO:0020493.

Submissions (2):

Ambry Genetics
Classification: Uncertain significance for Hereditary cancer-predisposing syndrome. Last evaluated: 2025-03-15. Review status: criteria provided, single submitter. Criteria: Ambry Variant Classification Scheme 2023. Collection method: clinical testing. Allele origin: germline.
Comment: The p.H89L variant (also known as c.266A>T), located in coding exon 2 of the PHOX2B gene, results from an A to T substitution at nucleotide position 266. The histidine at codon 89 is replaced by leucine, an amino acid with similar properties. This amino acid position is conserved. In addition, the in silico prediction for this alteration is inconclusive. Since supporting evidence is limited at this time, the clinical significance of this alteration remains unclear.

Labcorp Genetics (formerly Invitae), Labcorp
Classification: Uncertain significance for Haddad syndrome. Last evaluated: 2024-04-17. Review status: criteria provided, single submitter. Criteria: Invitae Variant Classification Sherloc (09022015). Collection method: clinical testing. Allele origin: germline.
Comment: This sequence change replaces histidine, which is basic and polar, with leucine, which is neutral and non-polar, at codon 89 of the PHOX2B protein (p.His89Leu). This variant is not present in population databases (gnomAD no frequency). This variant has not been reported in the literature in individuals affected with PHOX2B-related conditions. ClinVar contains an entry for this variant (Variation ID: 1794533). Advanced modeling of protein sequence and biophysical properties (such as structural, functional, and spatial information, amino acid conservation, physicochemical variation, residue mobility, and thermodynamic stability) performed at Invitae indicates that this missense variant is not expected to disrupt PHOX2B protein function with a negative predictive value of 80%. In summary, the available evidence is currently insufficient to determine the role of this variant in disease. Therefore, it has been classified as a Variant of Uncertain Significance.